The following is an entry in ClinVar:

NM_000257.4(MYH7):c.5528G>C (p.Ser1843Thr)

Gene: MYH7 (myosin heavy chain 7; minus strand). Cytogenetic location: 14q11.2.
Variant type: single nucleotide variant.
Coding change: c.5528G>C on transcript NM_000257.4 (MANE Select); coding-DNA position 5528, G replaced by C.
Protein change: p.Ser1843Thr; replaces serine 1843 with threonine.
Molecular consequence: missense variant.
Genome position (GRCh38, 1-based): chr14:23,415,026, C>G on the plus strand (G>C on the coding strand, the complement: MYH7 is on the minus strand). VCF-style: chr14-23415026-C-G. GRCh37 (hg19) VCF-style: chr14-23884235-C-G.
Other names: c.5528G>C, p.Ser1843Thr (NM_001407004.1); short protein forms S1843T.
Identifiers: ClinVar variation 2773890 (VCV002773890.3), dbSNP rs1555336129, ClinGen allele CA389035059.
Genomic context (GRCh38, chr14:23,415,026, plus strand): 5'-GCTCTGCCTGGAGTCACCGCCCGTCGCACCTGGTAGGTGAGCTCCTTGATGCGCCGCTCG[C>G]TCTTCCTCATGCCCTTCACCGACTCTGCGTTGCGCTTCTGCTCGGCCTCCAGCTCATTCT-3'
Protein context (NP_000248.2, residues 1833-1853): NAESVKGMRK[Ser1843Thr]ERRIKELTYQ

ClinVar aggregate classification (germline): Conflicting classifications of pathogenicity. Review status: criteria provided, conflicting classifications (1 of 4 stars). 2 submissions from 2 submitters: Uncertain significance (1); Likely benign (1). Last evaluated 2024-03-06.

Conditions:
Cardiomyopathy (CMYO). Also called: Cardiomyopathies. Identifiers: Orphanet 167848, MedGen C0878544, MONDO:0004994, HP:0001638. Inheritance: Various modes of inheritance.
Cardiovascular phenotype. Identifiers: MedGen CN230736.

Submissions (2):

Color Diagnostics, LLC DBA Color Health
Classification: Uncertain significance for Cardiomyopathy. Last evaluated: 2024-03-06. Review status: criteria provided, single submitter. Criteria: ACMG Guidelines, 2015. Collection method: clinical testing. Allele origin: germline.
Comment: This missense variant replaces serine with threonine at codon 1843 of the MYH7 protein. Computational prediction suggests that this variant may not impact protein structure and function (internally defined REVEL score threshold <= 0.5, PMID: 27666373). To our knowledge, functional studies have not been reported for this variant. This variant has not been reported in individuals affected with cardiovascular disorders in the literature. This variant has not been identified in the general population by the Genome Aggregation Database (gnomAD). The available evidence is insufficient to determine the role of this variant in disease conclusively. Therefore, this variant is classified as a Variant of Uncertain Significance.

Ambry Genetics
Classification: Likely benign for Cardiovascular phenotype. Last evaluated: 2023-12-27. Review status: criteria provided, single submitter. Criteria: Ambry Variant Classification Scheme 2023. Collection method: clinical testing. Allele origin: germline.